The following is an entry in ClinVar:

NM_004086.3(COCH):c.1360G>T (p.Val454Phe)

Genes: COCH (cochlin; plus strand), COCH-AS1 (COCH antisense RNA 1; minus strand). Cytogenetic location: 14q12.
Variant type: single nucleotide variant.
Coding change: c.1360G>T on transcript NM_004086.3 (MANE Select); coding-DNA position 1360, G replaced by T.
Protein change: p.Val454Phe; replaces valine 454 with phenylalanine.
Molecular consequence: missense variant. On other transcripts: non-coding transcript variant (1).
Genome position (GRCh38, 1-based): chr14:30,886,195, G>T. VCF-style: chr14-30886195-G-T. GRCh37 (hg19) VCF-style: chr14-31355401-G-T.
Other names: c.1360G>T, p.Val454Phe (NM_001135058.2); c.1555G>T, p.Val519Phe (NM_001347720.2); short protein forms V454F, V519F.
Identifiers: ClinVar variation 1383564 (VCV001383564.6), dbSNP rs754271185, ClinGen allele CA7143311.

ClinVar aggregate classification (germline): Uncertain significance (1 of 4 stars; one submission).

Allele frequency attached by ClinVar (database versions not stated): gnomAD exomes below 0.00001; ExAC 0.00001.
gnomAD v4.1: 1 of 1,611,272 alleles (0.000062%); highest among the groups gnomAD compares: Non-Finnish European, 0.000085%; no homozygotes.

Submission:

Labcorp Genetics (formerly Invitae), Labcorp
Classification: Uncertain significance. Last evaluated: 2021-11-14. Review status: criteria provided, single submitter. Criteria: Invitae Variant Classification Sherloc (09022015). Collection method: clinical testing. Allele origin: germline.
Comment: In summary, the available evidence is currently insufficient to determine the role of this variant in disease. Therefore, it has been classified as a Variant of Uncertain Significance. Algorithms developed to predict the effect of missense changes on protein structure and function are either unavailable or do not agree on the potential impact of this missense change (SIFT: "Deleterious"; PolyPhen-2: "Possibly Damaging"; Align-GVGD: "Class C0"). This variant has not been reported in the literature in individuals affected with COCH-related conditions. This variant is present in population databases (rs754271185, gnomAD 0.0009%). This sequence change replaces valine, which is neutral and non-polar, with phenylalanine, which is neutral and non-polar, at codon 454 of the COCH protein (p.Val454Phe).